The following is an entry in ClinVar:

ClinVar aggregate classification (germline): Uncertain significance. Review status: criteria provided, multiple submitters, no conflicts (2 of 4 stars). 3 submissions from 3 submitters: Uncertain significance (3). Last evaluated 2025-01-16.

Conditions:
Aortic aneurysm, familial thoracic 4 (AAT4). Also called: AORTIC ANEURYSM/AORTIC DISSECTION AND PATENT DUCTUS ARTERIOSUS. Identifiers: MedGen C1851504, MONDO:0007568, OMIM 132900.
Familial thoracic aortic aneurysm and aortic dissection (TAAD). Also called: Thoracic aortic aneurysms and dissections. Identifiers: Orphanet 91387, MedGen C4707243, MONDO:0019625.

Allele frequency attached by ClinVar (database versions not stated): gnomAD exomes below 0.00001; ExAC 0.00001.
gnomAD v4.1: 5 of 1,614,064 alleles (0.00031%); highest among the groups gnomAD compares: South Asian, 0.0055%; no homozygotes.

Submissions (3):

Labcorp Genetics (formerly Invitae), Labcorp
Classification: Uncertain significance for Aortic aneurysm, familial thoracic 4. Last evaluated: 2025-01-16. Review status: criteria provided, single submitter. Criteria: Invitae Variant Classification Sherloc (09022015). Collection method: clinical testing. Allele origin: germline.
Comment: This sequence change replaces serine, which is neutral and polar, with alanine, which is neutral and non-polar, at codon 201 of the MYH11 protein (p.Ser201Ala). This variant is present in population databases (rs773450359, gnomAD 0.003%). This variant has not been reported in the literature in individuals affected with MYH11-related conditions. ClinVar contains an entry for this variant (Variation ID: 575331). Invitae Evidence Modeling of protein sequence and biophysical properties (such as structural, functional, and spatial information, amino acid conservation, physicochemical variation, residue mobility, and thermodynamic stability) indicates that this missense variant is not expected to disrupt MYH11 protein function with a negative predictive value of 95%. In summary, the available evidence is currently insufficient to determine the role of this variant in disease. Therefore, it has been classified as a Variant of Uncertain Significance.

GeneDx
Classification: Uncertain significance. Last evaluated: 2024-12-07. Review status: criteria provided, single submitter. Criteria: GeneDx Variant Classification Process June 2021. Collection method: clinical testing. Allele origin: germline. Affected: yes.
Comment: Not observed at significant frequency in large population cohorts (gnomAD); In silico analysis indicates that this missense variant does not alter protein structure/function; Has not been previously published as pathogenic or benign to our knowledge

All of Us Research Program, National Institutes of Health
Classification: Uncertain significance for Familial thoracic aortic aneurysm and aortic dissection. Last evaluated: 2023-03-04. Review status: criteria provided, single submitter. Criteria: ACMG Guidelines, 2015. Collection method: clinical testing. Allele origin: germline. Inheritance: Autosomal dominant inheritance. Observed: 1 variant allele, 1 heterozygote.
Comment: This study involves interpretation of variants in research participants for the purpose of population health screening. Participant phenotype was not available at the time of variant classification. Additional details can be found in publication PMID: 35346344, PMCID: PMC8962531

NM_002474.3(MYH11):c.601T>G (p.Ser201Ala)

Gene: MYH11 (myosin heavy chain 11; minus strand). Cytogenetic location: 16p13.11.
Variant type: single nucleotide variant.
Coding change: c.601T>G on transcript NM_002474.3 (MANE Select); coding-DNA position 601, T replaced by G.
Protein change: p.Ser201Ala; replaces serine 201 with alanine.
Molecular consequence: missense variant.
Genome position (GRCh38, 1-based): chr16:15,786,662, A>C on the plus strand (T>G on the coding strand, the complement: MYH11 is on the minus strand). VCF-style: chr16-15786662-A-C. GRCh37 (hg19) VCF-style: chr16-15880519-A-C.
Other names: c.601T>G, p.Ser201Ala (NM_001040113.2, NM_001040114.2, NM_022844.3); c.601T>G (NM_002474.2); short protein forms S201A.
Identifiers: ClinVar variation 575331 (VCV000575331.10), dbSNP rs773450359, ClinGen allele CA7922927.